The following is an entry in ClinVar:

NM_024312.5(GNPTAB):c.1662C>A (p.His554Gln)

Gene: GNPTAB (N-acetylglucosamine-1-phosphate transferase subunits alpha and beta; minus strand). Cytogenetic location: 12q23.2.
Variant type: single nucleotide variant.
Coding change: c.1662C>A on transcript NM_024312.5 (MANE Select); coding-DNA position 1662, C replaced by A.
Protein change: p.His554Gln; replaces histidine 554 with glutamine.
Molecular consequence: missense variant.
Genome position (GRCh38, 1-based): chr12:101,765,255, G>T on the plus strand (C>A on the coding strand, the complement: GNPTAB is on the minus strand). VCF-style: chr12-101765255-G-T. GRCh37 (hg19) VCF-style: chr12-102159033-G-T.
Other names: short protein forms H554Q.
Identifiers: ClinVar variation 1501422 (VCV001501422.6), dbSNP rs146177204, ClinGen allele CA6746547.
Genomic context (GRCh38, chr12:101,765,255, plus strand): 5'-TCTTTTGGCTACTTCTGCAAAGCTGAAATAAGGCAGGCATTCACCTTTTGGAATAATATA[G>T]TGAGTCTGGTTTGGGAGAAGGATCACTTTATACAATTCATGAAAATGATCTAGAGGAAAA-3'
Protein context (NP_077288.2, residues 544-564): YKVILLPNQT[His554Gln]YIIPKGECLP

ClinVar aggregate classification (germline): Uncertain significance (1 of 4 stars; one submission).

Conditions:
Pseudo-Hurler polydystrophy. Also called: ML III; ML III ALPHA/BETA; Type III Mucolipidosis; ML IIIA; Mucolipidosis III Alpha/Beta; MUCOLIPIDOSIS IIIA. Identifiers: Orphanet 423461, Orphanet 577, MedGen C0033788, MONDO:0018931, OMIM 252600.
Mucolipidosis type II. Also called: ML II ALPHA/BETA; Mucolipidosis 2; ML 2; Inclusion cell disease; Leroy Disease; N-acetylglucosamine 1phosphotransferase deficiency. Identifiers: Orphanet 576, MedGen C2673377, MONDO:0009650, OMIM 252500.

Allele frequency attached by ClinVar (database versions not stated): gnomAD 0.00001; ExAC 0.00002; gnomAD exomes 0.00001 and below 0.00001; ESP Exome Variant Server 0.00023; TOPMed 0.00002.
gnomAD v4.1: 10 of 1,613,742 alleles (0.00062%); highest among the groups gnomAD compares: Non-Finnish European, 0.00076%; no homozygotes.

Submission:

Labcorp Genetics (formerly Invitae), Labcorp
Classification: Uncertain significance for Pseudo-Hurler polydystrophy; Mucolipidosis type II. Last evaluated: 2022-06-13. Review status: criteria provided, single submitter. Criteria: Invitae Variant Classification Sherloc (09022015). Collection method: clinical testing. Allele origin: germline.
Comment: This sequence change replaces histidine, which is basic and polar, with glutamine, which is neutral and polar, at codon 554 of the GNPTAB protein (p.His554Gln). This variant is present in population databases (rs146177204, gnomAD 0.0009%). This variant has not been reported in the literature in individuals affected with GNPTAB-related conditions. Advanced modeling of protein sequence and biophysical properties (such as structural, functional, and spatial information, amino acid conservation, physicochemical variation, residue mobility, and thermodynamic stability) performed at Invitae indicates that this missense variant is not expected to disrupt GNPTAB protein function. In summary, the available evidence is currently insufficient to determine the role of this variant in disease. Therefore, it has been classified as a Variant of Uncertain Significance.